The following is an entry in ClinVar:

NM_002880.4(RAF1):c.672G>T (p.Met224Ile)

Gene: RAF1 (Raf-1 proto-oncogene, serine/threonine kinase; minus strand). Cytogenetic location: 3p25.2.
Variant type: single nucleotide variant.
Coding change: c.672G>T on transcript NM_002880.4 (MANE Select); coding-DNA position 672, G replaced by T.
Protein change: p.Met224Ile; replaces methionine 224 with isoleucine.
Molecular consequence: missense variant. On other transcripts: non-coding transcript variant (3), intron variant (2).
Genome position (GRCh38, 1-based): chr3:12,606,209, C>A on the plus strand (G>T on the coding strand, the complement: RAF1 is on the minus strand). VCF-style: chr3-12606209-C-A. GRCh37 (hg19) VCF-style: chr3-12647708-C-A.
Other names: c.672G>T, p.Met224Ile (NM_001354689.3, NM_001354690.3); c.429G>T, p.Met143Ile (NM_001354691.3, NM_001354692.3, NM_001354694.3); c.339-1920G>T (NM_001354695.3); c.582-1920G>T (NM_001354693.3); short protein forms M224I, M143I.
Identifiers: ClinVar variation 477679 (VCV000477679.4), dbSNP rs1553614191, ClinGen allele CA351514216.

ClinVar aggregate classification (germline): Uncertain significance. Review status: criteria provided, multiple submitters, no conflicts (2 of 4 stars). 3 submissions from 3 submitters: Uncertain significance (3). Last evaluated 2023-07-15.

Conditions:
RASopathy. Also called: rasopathies; Noonan spectrum disorder. Identifiers: Orphanet 536391, MedGen C5555857, MONDO:0021060.
Cardiovascular phenotype. Identifiers: MedGen CN230736.

Submissions (3):

Ambry Genetics
Classification: Uncertain significance for Cardiovascular phenotype. Last evaluated: 2023-07-15. Review status: criteria provided, single submitter. Criteria: Ambry Variant Classification Scheme 2023. Collection method: clinical testing. Allele origin: germline.
Comment: The p.M224I variant (also known as c.672G>T), located in coding exon 5 of the RAF1 gene, results from a G to T substitution at nucleotide position 672. The methionine at codon 224 is replaced by isoleucine, an amino acid with highly similar properties. This amino acid position is conserved. In addition, this alteration is predicted to be tolerated by in silico analysis. Since supporting evidence is limited at this time, the clinical significance of this alteration remains unclear.

Labcorp Genetics (formerly Invitae), Labcorp
Classification: Uncertain significance for RASopathy. Last evaluated: 2017-07-05. Review status: criteria provided, single submitter. Criteria: Invitae Variant Classification Sherloc (09022015). Collection method: clinical testing. Allele origin: germline.
Comment: This sequence change replaces methionine with isoleucine at codon 224 of the RAF1 protein (p.Met224Ile). The methionine residue is weakly conserved and there is a small physicochemical difference between methionine and isoleucine. This variant is not present in population databases (ExAC no frequency). This variant has not been reported in the literature in individuals with RAF1-related disease. Algorithms developed to predict the effect of missense changes on protein structure and function output the following: SIFT: "Tolerated"; PolyPhen-2: "Benign"; Align-GVGD: "Class C0". The isoleucine amino acid residue is found in multiple mammalian species, suggesting that this missense change does not adversely affect protein function. These predictions have not been confirmed by published functional studies and their clinical significance is uncertain. In summary, the available evidence is currently insufficient to determine the role of this variant in disease. Therefore, it has been classified as a Variant of Uncertain Significance.

Breakthrough Genomics
Classification: Uncertain significance. Review status: criteria provided, single submitter. Criteria: ACMG Guidelines, 2015. Collection method: not provided. Allele origin: germline. Inheritance: Autosomal dominant inheritance. Affected: yes.